The following is an entry in ClinVar:

ClinVar aggregate classification (germline): Benign. Review status: criteria provided, multiple submitters, no conflicts (2 of 4 stars). 3 submissions from 3 submitters: Benign (2). 1 of the submissions does not count toward it. Last evaluated 2019-12-31.

Conditions:
STARD9-related disorder. Also called: STARD9-related condition.

Allele frequency attached by ClinVar (database versions not stated): ESP Exome Variant Server 0.00088; ExAC 0.00196; gnomAD exomes 0.00403 and 0.02472; gnomAD 0.00785 and 0.00835; 1000 Genomes Project 0.01478; 1000 Genomes Project 30x 0.01624; TOPMed 0.01658.
gnomAD v4.1: 6,882 of 1,537,718 alleles (0.45%); highest among the groups gnomAD compares: Admixed American, 10%; 389 homozygotes.

Submissions (3):

Labcorp Genetics (formerly Invitae), Labcorp
Classification: Benign. Last evaluated: 2019-12-31. Review status: criteria provided, single submitter. Criteria: Invitae Variant Classification Sherloc (09022015). Collection method: clinical testing. Allele origin: germline.

Breakthrough Genomics
Classification: Benign. Review status: criteria provided, single submitter. Criteria: ACMG Guidelines, 2015. Collection method: not provided. Allele origin: germline. Inheritance: Unknown mechanism. Affected: yes.

PreventionGenetics, part of Exact Sciences
Classification: Benign for STARD9-related condition. Last evaluated: 2019-04-23. Review status: no assertion criteria provided. Collection method: clinical testing. Allele origin: germline. Not counted in ClinVar's aggregate classification.
Comment: This variant is classified as benign based on ACMG/AMP sequence variant interpretation guidelines (Richards et al. 2015 PMID: 25741868, with internal and published modifications).

NM_020759.3(STARD9):c.8348A>G (p.His2783Arg)

Gene: STARD9 (StAR related lipid transfer domain containing 9; plus strand). Cytogenetic location: 15q15.2.
Variant type: single nucleotide variant.
Coding change: c.8348A>G on transcript NM_020759.3 (MANE Select); coding-DNA position 8348, A replaced by G.
Protein change: p.His2783Arg; replaces histidine 2783 with arginine.
Molecular consequence: missense variant.
Genome position (GRCh38, 1-based): chr15:42,689,926, A>G. VCF-style: chr15-42689926-A-G. GRCh37 (hg19) VCF-style: chr15-42982124-A-G.
Other names: short protein forms H2783R.
Identifiers: ClinVar variation 769880 (VCV000769880.7), dbSNP rs77096807, ClinGen allele CA7514590.